The following is an entry in ClinVar:

ClinVar aggregate classification (germline): Uncertain significance. Review status: criteria provided, multiple submitters, no conflicts (2 of 4 stars). 2 submissions from 2 submitters: Uncertain significance (2). Last evaluated 2023-10-05.

Conditions:
Hereditary cancer-predisposing syndrome. Also called: Neoplastic Syndromes, Hereditary; Tumor predisposition; Hereditary Cancer Syndrome; Hereditary neoplastic syndrome. Identifiers: Orphanet 140162, MedGen C0027672, MeSH D009386, MONDO:0015356.
Retinoblastoma (RB1). Also called: RETINOBLASTOMA, SOMATIC. Identifiers: Orphanet 790, MedGen C0035335, MeSH D012175, MONDO:0008380, OMIM 180200, HP:0009919. Disease mechanism: loss of function. Inheritance: Both sporadic and heritable forms are tested..

Submissions (2):

Labcorp Genetics (formerly Invitae), Labcorp
Classification: Uncertain significance for Retinoblastoma. Last evaluated: 2023-10-05. Review status: criteria provided, single submitter. Criteria: Invitae Variant Classification Sherloc (09022015). Collection method: clinical testing. Allele origin: germline.
Comment: This sequence change replaces tryptophan, which is neutral and slightly polar, with cysteine, which is neutral and slightly polar, at codon 99 of the RB1 protein (p.Trp99Cys). This variant is not present in population databases (gnomAD no frequency). This variant has not been reported in the literature in individuals affected with RB1-related conditions. ClinVar contains an entry for this variant (Variation ID: 1798390). Advanced modeling of protein sequence and biophysical properties (such as structural, functional, and spatial information, amino acid conservation, physicochemical variation, residue mobility, and thermodynamic stability) performed at Invitae indicates that this missense variant is not expected to disrupt RB1 protein function. In summary, the available evidence is currently insufficient to determine the role of this variant in disease. Therefore, it has been classified as a Variant of Uncertain Significance.

Ambry Genetics
Classification: Uncertain significance for Hereditary cancer-predisposing syndrome. Last evaluated: 2022-06-15. Review status: criteria provided, single submitter. Criteria: Ambry Variant Classification Scheme 2023. Collection method: clinical testing. Allele origin: germline.
Comment: The p.W99C variant (also known as c.297G>C), located in coding exon 3 of the RB1 gene, results from a G to C substitution at nucleotide position 297. The tryptophan at codon 99 is replaced by cysteine, an amino acid with highly dissimilar properties. This amino acid position is highly conserved in available vertebrate species. In addition, this alteration is predicted to be deleterious by in silico analysis. Since supporting evidence is limited at this time, the clinical significance of this alteration remains unclear.

NM_000321.3(RB1):c.297G>C (p.Trp99Cys)

Gene: RB1 (RB transcriptional corepressor 1; plus strand). Cytogenetic location: 13q14.2.
Variant type: single nucleotide variant.
Coding change: c.297G>C on transcript NM_000321.3 (MANE Select); coding-DNA position 297, G replaced by C.
Protein change: p.Trp99Cys; replaces tryptophan 99 with cysteine.
Molecular consequence: missense variant.
Genome position (GRCh38, 1-based): chr13:48,342,631, G>C. VCF-style: chr13-48342631-G-C. GRCh37 (hg19) VCF-style: chr13-48916767-G-C.
Other names: c.297G>C, p.Trp99Cys (NM_001407165.1, NM_001407166.1); short protein forms W99C.
Identifiers: ClinVar variation 1798390 (VCV001798390.5), dbSNP rs794727481, ClinGen allele CA388252384.
Genomic context (GRCh38, chr13:48,342,631, plus strand): 5'-ATATTTGATCTTTATTTTTTGTTCCCAGGGAGGTTATATTCAAAAGAAAAAGGAACTGTG[G>C]GGAATCTGTATCTTTATTGCAGCAGTTGACCTAGATGAGATGTCGTTCACTTTTACTGAG-3'
Protein context (NP_000312.2, residues 89-109): GGYIQKKKEL[Trp99Cys]GICIFIAAVD